The following is an entry in ClinVar:

ClinVar aggregate classification (germline): Conflicting classifications of pathogenicity. Review status: criteria provided, conflicting classifications (1 of 4 stars). 2 submissions from 2 submitters: Uncertain significance (1); Benign (1). Last evaluated 2025-02-16.

Conditions:
Koolen-de Vries syndrome (KDVS). Identifiers: Orphanet 96169, MedGen C1864871, MONDO:0012496, OMIM 610443.

gnomAD v4.1: 1 of 1,613,232 alleles (0.000062%); highest among the groups gnomAD compares: Non-Finnish European, 0.000085%; no homozygotes.

Submissions (2):

Laboratory of Genetics, Children's Clinical University Hospital Latvia
Classification: Benign. Last evaluated: 2025-02-16. Review status: criteria provided, single submitter. Criteria: ACMG Guidelines, 2015. Collection method: clinical testing. Allele origin: germline. Affected: yes.

Labcorp Genetics (formerly Invitae), Labcorp
Classification: Uncertain significance for Koolen-de Vries syndrome. Last evaluated: 2018-12-25. Review status: criteria provided, single submitter. Criteria: Invitae Variant Classification Sherloc (09022015). Collection method: clinical testing. Allele origin: germline.
Comment: This variant is not present in population databases (ExAC no frequency). This sequence change replaces threonine with serine at codon 419 of the KANSL1 protein (p.Thr419Ser). The threonine residue is highly conserved and there is a small physicochemical difference between threonine and serine. This variant has not been reported in the literature in individuals with KANSL1-related conditions. Algorithms developed to predict the effect of missense changes on protein structure and function output the following: SIFT: "Deleterious"; PolyPhen-2: "Benign"; Align-GVGD: "Class C55". The serine amino acid residue is found in multiple mammalian species, suggesting that this missense change does not adversely affect protein function. These predictions have not been confirmed by published functional studies and their clinical significance is uncertain. In summary, the available evidence is currently insufficient to determine the role of this variant in disease. Therefore, it has been classified as a Variant of Uncertain Significance.

NM_015443.4(KANSL1):c.1256C>G (p.Thr419Ser)

Gene: KANSL1 (KAT8 regulatory NSL complex subunit 1). Cytogenetic location: 17q21.31.
Variant type: single nucleotide variant.
Coding change: c.1256C>G on transcript NM_015443.4 (MANE Select); coding-DNA position 1256, C replaced by G.
Protein change: p.Thr419Ser; replaces threonine 419 with serine.
Molecular consequence: missense variant.
Genome position (GRCh38, 1-based): chr17:46,170,888, G>C on the plus strand (C>G on the coding strand, the complement: KANSL1 is on the minus strand). VCF-style: chr17-46170888-G-C. GRCh37 (hg19) VCF-style: chr17-44248254-G-C.
Other names: c.1256C>G, p.Thr419Ser (NM_001193465.2, NM_001193466.2, NM_001379198.1); short protein forms T419S.
Identifiers: ClinVar variation 648661 (VCV000648661.9), dbSNP rs1597870423, ClinGen allele CA399978559.
Genomic context (GRCh38, chr17:46,170,888, plus strand): 5'-ATGCTATCATGCATGAGGTCTACTCACAGGGGTACATGACGCTGCTCGGGATCAGCTCTG[G>C]TCAGTTCTTCCTCTTCAATATCAGACTCCCCTCCTGAACTACTGTCAGTGACATCTGAAT-3'
Protein context (NP_056258.1, residues 409-429): GESDIEEEEL[Thr419Ser]RADPEQRHVP